The following is an entry in ClinVar:

NM_032444.4(SLX4):c.3034A>G (p.Arg1012Gly)

Gene: SLX4 (SLX4 structure-specific endonuclease subunit; minus strand). Cytogenetic location: 16p13.3.
Variant type: single nucleotide variant.
Coding change: c.3034A>G on transcript NM_032444.4 (MANE Select); coding-DNA position 3034, A replaced by G.
Protein change: p.Arg1012Gly; replaces arginine 1012 with glycine.
Molecular consequence: missense variant.
Genome position (GRCh38, 1-based): chr16:3,590,604, T>C on the plus strand (A>G on the coding strand, the complement: SLX4 is on the minus strand). VCF-style: chr16-3590604-T-C. GRCh37 (hg19) VCF-style: chr16-3640605-T-C.
Other names: short protein forms R1012G.
Identifiers: ClinVar variation 1949442 (VCV001949442.5), dbSNP rs2040575245, ClinGen allele CA394522242.

ClinVar aggregate classification (germline): Uncertain significance (1 of 4 stars; one submission).

Conditions:
Fanconi anemia (FA). Also called: Fanconi's anemia. Identifiers: Orphanet 84, MedGen C0015625, MeSH D005199, MONDO:0019391.

gnomAD v4.1: 2 of 1,613,826 alleles (0.00012%); highest among the groups gnomAD compares: Non-Finnish European, 0.00017%; no homozygotes.

Submission:

Labcorp Genetics (formerly Invitae), Labcorp
Classification: Uncertain significance for Fanconi anemia. Last evaluated: 2022-04-21. Review status: criteria provided, single submitter. Criteria: Invitae Variant Classification Sherloc (09022015). Collection method: clinical testing. Allele origin: germline.
Comment: In summary, the available evidence is currently insufficient to determine the role of this variant in disease. Therefore, it has been classified as a Variant of Uncertain Significance. Algorithms developed to predict the effect of missense changes on protein structure and function output the following: SIFT: "Tolerated"; PolyPhen-2: "Benign"; Align-GVGD: "Class C0". The glycine amino acid residue is found in multiple mammalian species, which suggests that this missense change does not adversely affect protein function. This variant has not been reported in the literature in individuals affected with SLX4-related conditions. This variant is not present in population databases (gnomAD no frequency). This sequence change replaces arginine, which is basic and polar, with glycine, which is neutral and non-polar, at codon 1012 of the SLX4 protein (p.Arg1012Gly).